The following is an entry in ClinVar:

ClinVar aggregate classification (germline): Likely benign. Review status: criteria provided, multiple submitters, no conflicts (2 of 4 stars). 3 submissions from 3 submitters: Likely benign (3). Last evaluated 2025-04-01.

Conditions:
Hypertrophic cardiomyopathy 12. Identifiers: MedGen C2677491, MONDO:0012804, OMIM 612124.
Dilated cardiomyopathy 1M (CMD1M). Identifiers: Orphanet 154, MedGen C1843808, MONDO:0011840, OMIM 607482.
Cardiovascular phenotype. Identifiers: MedGen CN230736.

Submissions (3):

Labcorp Genetics (formerly Invitae), Labcorp
Classification: Likely benign for Hypertrophic cardiomyopathy 12; Dilated cardiomyopathy 1M. Last evaluated: 2025-04-01. Review status: criteria provided, single submitter. Criteria: Invitae Variant Classification Sherloc (09022015). Collection method: clinical testing. Allele origin: germline.

Ambry Genetics
Classification: Likely benign for Cardiovascular phenotype. Last evaluated: 2025-03-14. Review status: criteria provided, single submitter. Criteria: Ambry Variant Classification Scheme 2023. Collection method: clinical testing. Allele origin: germline.

GeneDx
Classification: Likely benign. Last evaluated: 2016-11-28. Review status: criteria provided, single submitter. Criteria: GeneDx Variant Classification (06012015). Collection method: clinical testing. Allele origin: germline. Affected: yes.
Comment: This variant is considered likely benign or benign based on one or more of the following criteria: it is a conservative change, it occurs at a poorly conserved position in the protein, it is predicted to be benign by multiple in silico algorithms, and/or has population frequency not consistent with disease.

NM_003476.5(CSRP3):c.108C>T (p.His36=)

Gene: CSRP3 (cysteine and glycine rich protein 3; minus strand). Cytogenetic location: 11p15.1.
Variant type: single nucleotide variant.
Coding change: c.108C>T on transcript NM_003476.5 (MANE Select); coding-DNA position 108, C replaced by T.
Protein change: p.His36=; no amino-acid change (histidine 36 retained).
Molecular consequence: synonymous variant.
Genome position (GRCh38, 1-based): chr11:19,192,341, G>A on the plus strand (C>T on the coding strand, the complement: CSRP3 is on the minus strand). VCF-style: chr11-19192341-G-A. GRCh37 (hg19) VCF-style: chr11-19213888-G-A.
Other names: c.108C>T (LRG_440t1); c.108C>T, p.His36= (NM_001369404.1).
Identifiers: ClinVar variation 390949 (VCV000390949.6), dbSNP rs763193066, ClinGen allele CA16606210.